The following is an entry in ClinVar:

ClinVar aggregate classification (germline): Conflicting classifications of pathogenicity. Review status: criteria provided, conflicting classifications (1 of 4 stars). 5 submissions from 5 submitters: Likely pathogenic (3); Uncertain significance (2). Last evaluated 2025-03-17.

Conditions:
Congenital multicore myopathy with external ophthalmoplegia (CMYO1B). Also called: MULTICORE MYOPATHY; Minicore myopathy with external ophthalmoplegia; Congenital myopathy 1B, autosomal recessive; Minicore myopathy; MULTIMINICORE DISEASE WITH EXTERNAL OPHTHALMOPLEGIA. Identifiers: Orphanet 598, Orphanet 98905, MedGen C1850674, MONDO:0009712, OMIM 255320, HP:0003789.
RYR1-related disorder. Also called: RYR1-related condition; RYR1-related disorders. Identifiers: MedGen CN239331.

gnomAD v4.1: 5 of 1,613,770 alleles (0.00031%); highest among the groups gnomAD compares: Admixed American, 0.0017%; no homozygotes.

Submissions (5):

GeneDx
Classification: Likely pathogenic. Last evaluated: 2025-03-17. Review status: criteria provided, single submitter. Criteria: GeneDx Variant Classification Process June 2021. Collection method: clinical testing. Allele origin: germline. Affected: yes.
Comment: In silico analysis supports that this missense variant has a deleterious effect on protein structure/function; Not observed at significant frequency in large population cohorts (gnomAD); This variant is associated with the following publications: (PMID: 38684305, 21062345, 29382405, 31130284)

Labcorp Genetics (formerly Invitae), Labcorp
Classification: Likely pathogenic for RYR1-related disorder. Last evaluated: 2024-10-03. Review status: criteria provided, single submitter. Criteria: Invitae Variant Classification Sherloc (09022015). Collection method: clinical testing. Allele origin: germline.
Comment: This sequence change replaces glycine, which is neutral and non-polar, with serine, which is neutral and polar, at codon 3521 of the RYR1 protein (p.Gly3521Ser). This variant is present in population databases (no rsID available, gnomAD 0.003%). This missense change has been observed in individual(s) with autosomal recessive RYR1-related conditions (PMID: 29382405, 31130284). In at least one individual the data is consistent with being in trans (on the opposite chromosome) from a pathogenic variant. This variant is also known as c.10546G>A; p.Gly3516Ser. ClinVar contains an entry for this variant (Variation ID: 2141851). Invitae Evidence Modeling of protein sequence and biophysical properties (such as structural, functional, and spatial information, amino acid conservation, physicochemical variation, residue mobility, and thermodynamic stability) has been performed for this missense variant. However, the output from this modeling did not meet the statistical confidence thresholds required to predict the impact of this variant on RYR1 protein function. This variant disrupts the p.Gly3521 amino acid residue in RYR1. Other variant(s) that disrupt this residue have been observed in individuals with RYR1-related conditions (PMID: 21062345), which suggests that this may be a clinically significant amino acid residue. In summary, the currently available evidence indicates that the variant is pathogenic, but additional data are needed to prove that conclusively. Therefore, this variant has been classified as Likely Pathogenic.

3billion
Classification: Uncertain significance for Congenital multicore myopathy with external ophthalmoplegia. Last evaluated: 2024-06-12. Review status: criteria provided, single submitter. Criteria: ACMG Guidelines, 2015. Collection method: clinical testing. Allele origin: germline. Affected: yes.
Comment: The variant is observed at an extremely low frequency in the gnomAD v4.0.0 dataset (total allele frequency: <0.001%). Predicted Consequence/Location: Missense variant In silico tool predictions suggest damaging effect of the variant on gene or gene product [REVEL: 0.92 (>=0.6, sensitivity 0.68 and specificity 0.92)]. The same nucleotide change resulting in the same amino acid change has been previously reported to be associated with RYR1 related disorder (ClinVar ID: VCV002141851 /PMID: 29382405).Different missense changes at the same codon (p.Gly3521Arg, p.Gly3521Cys) have been reported to be associated with RYR1 related disorder (ClinVar ID: VCV001677886 /PMID: 21062345). However the evidence of pathogenicity is insufficient at this time. Therefore, this variant is classified as VUS according to the recommendation of ACMG/AMP guideline.

Neuberg Centre For Genomic Medicine, NCGM
Classification: Uncertain significance for Congenital multicore myopathy with external ophthalmoplegia. Last evaluated: 2023-02-14. Review status: criteria provided, single submitter. Criteria: ACMG Guidelines, 2015. Collection method: clinical testing. Allele origin: germline. Inheritance: Autosomal recessive inheritance. Affected: yes.
Comment: The missense variant c.10561G>A (p.Gly3521Ser) in the RYR1 gene has been reported previously in compound heterozygous state in an individual affected with Congenital Myopathy (Bevilacqua et al., 2011). The variant is novel (not in any individuals) in gnomAD Exomes and 1000 Genomes. It is submitted to ClinVar as Likely Pathogenic. However, study on multiple affected individuals and the functional impact of the variant is not available. The amino acid Glycine at position 3521 is changed to a Serine changing protein sequence and it might alter its composition and physico-chemical properties. The variant is predicted as damaging by SIFT. The amino acid change p.Gly3521Ser in RYR1 is predicted as conserved by GERP++ and PhyloP across 100 vertebrates. For these reasons, this variant has been classified as Uncertain Significance.

Clinical Genetics Service, Universitary Hospital 12 de Octubre
Classification: Likely pathogenic for Congenital multicore myopathy with external ophthalmoplegia. Review status: criteria provided, single submitter. Criteria: ACMG Guidelines, 2015. Collection method: clinical testing. Allele origin: germline. Affected: yes.

Literature cited by the submitters: PubMed 29382405 (cited by Labcorp Genetics (formerly Invitae), Labcorp and 3billion); PubMed 31130284 (cited by Labcorp Genetics (formerly Invitae), Labcorp); PubMed 21062345 (cited by Labcorp Genetics (formerly Invitae), Labcorp and 3billion).

NM_000540.3(RYR1):c.10561G>A (p.Gly3521Ser)

Gene: RYR1 (ryanodine receptor 1; plus strand). Cytogenetic location: 19q13.2.
Variant type: single nucleotide variant.
Coding change: c.10561G>A on transcript NM_000540.3 (MANE Select); coding-DNA position 10561, G replaced by A.
Protein change: p.Gly3521Ser; replaces glycine 3521 with serine.
Molecular consequence: missense variant.
Genome position (GRCh38, 1-based): chr19:38,525,437, G>A. VCF-style: chr19-38525437-G-A. GRCh37 (hg19) VCF-style: chr19-39016077-G-A.
Other names: c.10546G>A, p.Gly3516Ser (NM_001042723.2); short protein forms G3521S, G3516S.
Identifiers: ClinVar variation 2141851 (VCV002141851.7), dbSNP rs1420692006, ClinGen allele CA405643750.